The following is an entry in ClinVar:

NM_022124.6(CDH23):c.9638C>T (p.Ser3213Leu)

Gene: CDH23 (cadherin related 23; plus strand). Cytogenetic location: 10q22.1.
Variant type: single nucleotide variant.
Coding change: c.9638C>T on transcript NM_022124.6 (MANE Select); coding-DNA position 9638, C replaced by T.
Protein change: p.Ser3213Leu; replaces serine 3213 with leucine.
Molecular consequence: missense variant. On other transcripts: intron variant (2).
Genome position (GRCh38, 1-based): chr10:71,813,248, C>T. VCF-style: chr10-71813248-C-T. GRCh37 (hg19) VCF-style: chr10-73573005-C-T.
Other names: c.2918C>T, p.Ser973Leu (NM_001171933.1); c.329C>T, p.Ser110Leu (NM_001171935.1); c.2913+358C>T (NM_001171934.1); c.324+358C>T (NM_001171936.1); short protein forms S110L, S3213L, S973L.
Identifiers: ClinVar variation 1328585 (VCV001328585.5), dbSNP rs1313343226, ClinGen allele CA377137211.
Genomic context (GRCh38, chr10:71,813,248, plus strand): 5'-GGGGCGGGGCAGGCAGGGGAGGGCCTTGGTGGGGGTTAACCCTTTCCCTCCCCCAGGGCT[C>T]GCTGCTGAAGGTGGTCCTGGAGGATTACCTGCGGCTCAAAAAGCTCTTTGCACAGCGGAT-3'
Protein context (NP_071407.4, residues 3203-3223): QIIREGPIKG[Ser3213Leu]LLKVVLEDYL

ClinVar aggregate classification (germline): Uncertain significance. Review status: criteria provided, multiple submitters, no conflicts (2 of 4 stars). 2 submissions from 2 submitters: Uncertain significance (2). Last evaluated 2025-10-06.

Allele frequency attached by ClinVar (database versions not stated): TOPMed below 0.00001; gnomAD exomes 0.00001.
gnomAD v4.1: 11 of 1,551,498 alleles (0.00071%); highest among the groups gnomAD compares: Middle Eastern, 0.017%; no homozygotes.

Submissions (2):

Labcorp Genetics (formerly Invitae), Labcorp
Classification: Uncertain significance. Last evaluated: 2025-10-06. Review status: criteria provided, single submitter. Criteria: Invitae Variant Classification Sherloc (09022015). Collection method: clinical testing. Allele origin: germline.
Comment: This sequence change replaces serine, which is neutral and polar, with leucine, which is neutral and non-polar, at codon 3213 of the CDH23 protein (p.Ser3213Leu). This variant is not present in population databases (gnomAD no frequency). This variant has not been reported in the literature in individuals affected with CDH23-related conditions. ClinVar contains an entry for this variant (Variation ID: 1328585). Invitae Evidence Modeling of protein sequence and biophysical properties (such as structural, functional, and spatial information, amino acid conservation, physicochemical variation, residue mobility, and thermodynamic stability) has been performed for this missense variant. However, the output from this modeling did not meet the statistical confidence thresholds required to predict the impact of this variant on CDH23 protein function. In summary, the available evidence is currently insufficient to determine the role of this variant in disease. Therefore, it has been classified as a Variant of Uncertain Significance.

GeneDx
Classification: Uncertain significance. Last evaluated: 2021-06-18. Review status: criteria provided, single submitter. Criteria: GeneDx Variant Classification Process June 2021. Collection method: clinical testing. Allele origin: germline. Affected: yes.
Comment: Not observed at significant frequency in large population cohorts (Lek et al., 2016); In silico analysis supports that this missense variant does not alter protein structure/function; Has not been previously published as pathogenic or benign to our knowledge; This variant is associated with the following publications: (PMID: 27535533)